The following is an entry in ClinVar:

NM_012463.4(ATP6V0A2):c.764C>T (p.Thr255Ile)

Gene: ATP6V0A2 (ATPase H+ transporting V0 subunit a2; plus strand). Cytogenetic location: 12q24.31.
Variant type: single nucleotide variant.
Coding change: c.764C>T on transcript NM_012463.4 (MANE Select); coding-DNA position 764, C replaced by T.
Protein change: p.Thr255Ile; replaces threonine 255 with isoleucine.
Molecular consequence: missense variant.
Genome position (GRCh38, 1-based): chr12:123,735,563, C>T. VCF-style: chr12-123735563-C-T. GRCh37 (hg19) VCF-style: chr12-124220110-C-T.
Other names: short protein forms T255I.
Identifiers: ClinVar variation 423897 (VCV000423897.3), dbSNP rs369952560, ClinGen allele CA6861727.

ClinVar aggregate classification (germline): Uncertain significance. Review status: criteria provided, multiple submitters, no conflicts (2 of 4 stars). 2 submissions from 2 submitters: Uncertain significance (2). Last evaluated 2023-11-13.

Conditions:
ALG9 congenital disorder of glycosylation (CDG1L). Also called: ALG9-CDG; CONGENITAL DISORDER OF GLYCOSYLATION, TYPE Il; CDG Il. Identifiers: Orphanet 79328, MedGen C2931006, MONDO:0012117, OMIM 608776.

Allele frequency attached by ClinVar (database versions not stated): gnomAD exomes below 0.00001 and 0.00001; ExAC 0.00001; gnomAD 0.00001; ESP Exome Variant Server 0.00008; TOPMed 0.00001.

Submissions (2):

Labcorp Genetics (formerly Invitae), Labcorp
Classification: Uncertain significance for ALG9 congenital disorder of glycosylation. Last evaluated: 2023-11-13. Review status: criteria provided, single submitter. Criteria: Invitae Variant Classification Sherloc (09022015). Collection method: clinical testing. Allele origin: germline.
Comment: This sequence change replaces threonine, which is neutral and polar, with isoleucine, which is neutral and non-polar, at codon 255 of the ATP6V0A2 protein (p.Thr255Ile). This variant is present in population databases (rs369952560, gnomAD 0.003%). This variant has not been reported in the literature in individuals affected with ATP6V0A2-related conditions. ClinVar contains an entry for this variant (Variation ID: 423897). Advanced modeling of protein sequence and biophysical properties (such as structural, functional, and spatial information, amino acid conservation, physicochemical variation, residue mobility, and thermodynamic stability) performed at Invitae indicates that this missense variant is not expected to disrupt ATP6V0A2 protein function with a negative predictive value of 80%. In summary, the available evidence is currently insufficient to determine the role of this variant in disease. Therefore, it has been classified as a Variant of Uncertain Significance.

GeneDx
Classification: Uncertain significance. Last evaluated: 2017-02-24. Review status: criteria provided, single submitter. Criteria: GeneDx Variant Classification (06012015). Collection method: clinical testing. Allele origin: germline. Affected: yes.
Comment: The T255I variant of uncertain significance in the ATP6V0A2 gene has not been published as pathogenic or benign to our knowledge. This variant is not observed at a significant frequency in large population cohorts (Lek et al., 2016; 1000 Genomes Consortium et al., 2015; Exome Variant Server). In addition, T255I is a non-conservative amino acid substitution, which is likely to impact secondary protein structure as these residues differ in polarity, charge, size and/or other properties. This substitution also occurs at a position where only amino acids with similar properties to threonine are tolerated across species. The majority of in silico algorithms predict this variant is probably damaging to the protein structure/function. Nevertheless, no missense variants in nearby residues have been reported in the Human Gene Mutation Database in association with ATP6V0A2-related disorders (Stenson et al., 2014).Therefore, based on the currently available information, it is unclear whether this variant is pathogenic or rare benign.